The following is an entry in ClinVar:

NM_177438.3(DICER1):c.5528-15T>C

Gene: DICER1 (dicer 1, ribonuclease III; minus strand). Cytogenetic location: 14q32.13.
Variant type: single nucleotide variant.
Coding change: c.5528-15T>C on transcript NM_177438.3 (MANE Select); 15 bases into the intron before coding-DNA position 5528, T replaced by C.
Molecular consequence: intron variant.
Genome position (GRCh38, 1-based): chr14:95,091,124, A>G on the plus strand (T>C on the coding strand, the complement: DICER1 is on the minus strand). VCF-style: chr14-95091124-A-G. GRCh37 (hg19) VCF-style: chr14-95557461-A-G.
Other names: c.5528-15T>C (NM_001291628.2, NM_030621.4, NM_001271282.3); c.5365-15T>C (NM_001195573.1).
Identifiers: ClinVar variation 1593569 (VCV001593569.10), dbSNP rs1165437098, ClinGen allele CA710159212.
Genomic context (GRCh38, chr14:95,091,124, plus strand): 5'-AGCAATTCTCGCACAGGGGAACGGGGTACATTTGCAGAAAACTTTTCTGCAATCAAAATG[A>G]AAGAATAATATGAATAATATCTCTGAAGTTGTTTTTAATTTTGTGGGTTTTTTTCTTTCT-3'

ClinVar aggregate classification (germline): Likely benign. Review status: criteria provided, multiple submitters, no conflicts (2 of 4 stars). 2 submissions from 2 submitters: Likely benign (2). Last evaluated 2026-08-17.

Conditions:
DICER1-related tumor predisposition. Also called: DICER1-related pleuropulmonary blastoma cancer predisposition syndrome; DICER1 syndrome. Identifiers: Orphanet 284343, MedGen C3839822, MONDO:0100216.

Allele frequency attached by ClinVar (database versions not stated): TOPMed below 0.00001; gnomAD 0.00001; gnomAD exomes below 0.00001.
gnomAD v4.1: 4 of 1,613,932 alleles (0.00025%); highest among the groups gnomAD compares: Non-Finnish European, 0.00034%; no homozygotes.

Submissions (2):

Myriad Genetics, Inc.
Classification: Likely benign for DICER1-related tumor predisposition. Last evaluated: 2026-08-17. Review status: criteria provided, single submitter. Criteria: Myriad Autosomal Dominant, Autosomal Recessive and X-Linked Classification Criteria (2023). Collection method: clinical testing. Allele origin: unknown.
Comment: This variant is considered likely benign. This variant is intronic and is not expected to impact mRNA splicing.

Labcorp Genetics (formerly Invitae), Labcorp
Classification: Likely benign for DICER1-related tumor predisposition. Last evaluated: 2025-09-10. Review status: criteria provided, single submitter. Criteria: Invitae Variant Classification Sherloc (09022015). Collection method: clinical testing. Allele origin: germline.